The following is an entry in ClinVar:

ClinVar aggregate classification (germline): Uncertain significance (1 of 4 stars; one submission).

Allele frequency attached by ClinVar (database versions not stated): gnomAD 0.00003.
gnomAD v4.1: 9 of 1,614,042 alleles (0.00056%); highest among the groups gnomAD compares: African/African-American, 0.012%; no homozygotes.

Submission:

Labcorp Genetics (formerly Invitae), Labcorp
Classification: Uncertain significance. Last evaluated: 2023-03-30. Review status: criteria provided, single submitter. Criteria: Invitae Variant Classification Sherloc (09022015). Collection method: clinical testing. Allele origin: germline.
Comment: In summary, the available evidence is currently insufficient to determine the role of this variant in disease. Therefore, it has been classified as a Variant of Uncertain Significance. Advanced modeling of protein sequence and biophysical properties (such as structural, functional, and spatial information, amino acid conservation, physicochemical variation, residue mobility, and thermodynamic stability) performed at Invitae indicates that this missense variant is not expected to disrupt SLC25A4 protein function. ClinVar contains an entry for this variant (Variation ID: 2164878). This variant has not been reported in the literature in individuals affected with SLC25A4-related conditions. This variant is present in population databases (rs748031233, gnomAD 0.01%). This sequence change replaces alanine, which is neutral and non-polar, with serine, which is neutral and polar, at codon 224 of the SLC25A4 protein (p.Ala224Ser).

NM_001151.4(SLC25A4):c.670G>T (p.Ala224Ser)

Gene: SLC25A4 (solute carrier family 25 member 4; plus strand). Cytogenetic location: 4q35.1.
Variant type: single nucleotide variant.
Coding change: c.670G>T on transcript NM_001151.4 (MANE Select); coding-DNA position 670, G replaced by T.
Protein change: p.Ala224Ser; replaces alanine 224 with serine.
Molecular consequence: missense variant.
Genome position (GRCh38, 1-based): chr4:185,145,830, G>T. VCF-style: chr4-185145830-G-T. GRCh37 (hg19) VCF-style: chr4-186066984-G-T.
Other names: short protein forms A224S.
Identifiers: ClinVar variation 2164878 (VCV002164878.4), dbSNP rs748031233, ClinGen allele CA3156549.